The following is an entry in ClinVar:

ClinVar aggregate classification (germline): Uncertain significance (1 of 4 stars; one submission).

Conditions:
Hereditary cancer-predisposing syndrome. Also called: Neoplastic Syndromes, Hereditary; Tumor predisposition; Hereditary Cancer Syndrome; Hereditary neoplastic syndrome. Identifiers: Orphanet 140162, MedGen C0027672, MeSH D009386, MONDO:0015356.

gnomAD v4.1: 1 of 1,578,822 alleles (0.000063%); highest among the groups gnomAD compares: South Asian, 0.0012%; no homozygotes.

Submission:

Ambry Genetics
Classification: Uncertain significance for Hereditary cancer-predisposing syndrome. Last evaluated: 2026-01-10. Review status: criteria provided, single submitter. Criteria: Ambry Variant Classification Scheme 2023. Collection method: clinical testing. Allele origin: germline.
Comment: The p.E983G variant (also known as c.2948A>G), located in coding exon 4 of the MSH6 gene, results from an A to G substitution at nucleotide position 2948. The glutamic acid at codon 983 is replaced by glycine, an amino acid with similar properties. This amino acid position is conserved. In addition, the in silico prediction for this alteration is inconclusive. Based on the available evidence, the clinical significance of this variant remains unclear.

NM_000179.3(MSH6):c.2948A>G (p.Glu983Gly)

Gene: MSH6 (mutS homolog 6; plus strand). Cytogenetic location: 2p16.3.
Variant type: single nucleotide variant.
Coding change: c.2948A>G on transcript NM_000179.3 (MANE Select); coding-DNA position 2948, A replaced by G.
Protein change: p.Glu983Gly; replaces glutamic acid 983 with glycine.
Molecular consequence: missense variant. On other transcripts: non-coding transcript variant (5), intron variant (2).
Genome position (GRCh38, 1-based): chr2:47,800,931, A>G. VCF-style: chr2-47800931-A-G. GRCh37 (hg19) VCF-style: chr2-48028070-A-G.
Other names: c.2042A>G, p.Glu681Gly (NM_001406812.1, NM_001406814.1, NM_001406815.1 and 6 more transcripts); c.2954A>G, p.Glu985Gly (NM_001406813.1); c.2651A>G, p.Glu884Gly (NM_001406818.1, NM_001406819.1, NM_001406820.1 and 10 more transcripts); c.3044A>G, p.Glu1015Gly (NM_001406802.1, NM_001406795.1); c.2870A>G, p.Glu957Gly (NM_001406804.1); c.2423A>G, p.Glu808Gly (NM_001406806.1, NM_001406807.1, NM_001406799.1); c.2948A>G, p.Glu983Gly (NM_001406808.1, NM_001406809.1, NM_001406796.1 and 2 more transcripts); c.2780A>G, p.Glu927Gly (NM_001406826.1); and 4 more; short protein forms E1015G, E681G, E808G, E853G, E884G, E927G, E985G, E298G.
Identifiers: ClinVar variation 4843699 (VCV004843699.1).